The following is an entry in ClinVar:

ClinVar aggregate classification (germline): Uncertain significance (1 of 4 stars; one submission).

gnomAD v4.1: 28 of 1,612,606 alleles (0.0017%); highest among the groups gnomAD compares: Non-Finnish European, 0.0022%; no homozygotes.

Submission:

Labcorp Genetics (formerly Invitae), Labcorp
Classification: Uncertain significance. Last evaluated: 2024-07-19. Review status: criteria provided, single submitter. Criteria: Invitae Variant Classification Sherloc (09022015). Collection method: clinical testing. Allele origin: germline.
Comment: This sequence change replaces isoleucine, which is neutral and non-polar, with valine, which is neutral and non-polar, at codon 661 of the ERBB2 protein (p.Ile661Val). This variant is present in population databases (rs762407538, gnomAD 0.002%). This variant has not been reported in the literature in individuals affected with ERBB2-related conditions. Advanced modeling of protein sequence and biophysical properties (such as structural, functional, and spatial information, amino acid conservation, physicochemical variation, residue mobility, and thermodynamic stability) performed at Invitae indicates that this missense variant is not expected to disrupt ERBB2 protein function with a negative predictive value of 80%. In summary, the available evidence is currently insufficient to determine the role of this variant in disease. Therefore, it has been classified as a Variant of Uncertain Significance.

NM_004448.4(ERBB2):c.1981A>G (p.Ile661Val)

Gene: ERBB2 (erb-b2 receptor tyrosine kinase 2; plus strand). Cytogenetic location: 17q12.
Variant type: single nucleotide variant.
Coding change: c.1981A>G on transcript NM_004448.4 (MANE Select); coding-DNA position 1981, A replaced by G.
Protein change: p.Ile661Val; replaces isoleucine 661 with valine.
Molecular consequence: missense variant. On other transcripts: non-coding transcript variant (1), intron variant (1).
Genome position (GRCh38, 1-based): chr17:39,723,353, A>G. VCF-style: chr17-39723353-A-G. GRCh37 (hg19) VCF-style: chr17-37879606-A-G.
Other names: c.1891A>G, p.Ile631Val (NM_001005862.3, NM_001382782.1, NM_001382783.1); c.1936A>G, p.Ile646Val (NM_001289936.2); c.1981A>G, p.Ile661Val (NM_001289937.2, NM_001382792.1, NM_001382793.1 and 7 more transcripts); c.2098A>G, p.Ile700Val (NM_001382784.1, NM_001382786.1); c.2083A>G, p.Ile695Val (NM_001382785.1); c.2056A>G, p.Ile686Val (NM_001382787.1); c.2011A>G, p.Ile671Val (NM_001382788.1); c.2002A>G, p.Ile668Val (NM_001382789.1); and 7 more; short protein forms I385V, I575V, I671V, I645V, I658V, I660V, I601V, I631V.
Identifiers: ClinVar variation 3710564 (VCV003710564.2).